The following is an entry in ClinVar:

NM_004415.4(DSP):c.1544C>T (p.Pro515Leu)

Gene: DSP (desmoplakin; plus strand). Cytogenetic location: 6p24.3.
Variant type: single nucleotide variant.
Coding change: c.1544C>T on transcript NM_004415.4 (MANE Select); coding-DNA position 1544, C replaced by T.
Protein change: p.Pro515Leu; replaces proline 515 with leucine.
Molecular consequence: missense variant.
Genome position (GRCh38, 1-based): chr6:7,569,310, C>T. VCF-style: chr6-7569310-C-T. GRCh37 (hg19) VCF-style: chr6-7569543-C-T.
Other names: c.1544C>T (LRG_423t1); c.1544C>T, p.Pro515Leu (NM_001008844.3, NM_001319034.2); short protein forms P515L.
Identifiers: ClinVar variation 180322 (VCV000180322.39), dbSNP rs730880079, ClinGen allele CA005018.

ClinVar aggregate classification (germline): Conflicting classifications of pathogenicity. Review status: criteria provided, conflicting classifications (1 of 4 stars). 7 submissions from 7 submitters: Uncertain significance (6); Likely benign (1). Last evaluated 2026-07-13.

Conditions:
Cardiovascular phenotype. Identifiers: MedGen CN230736.
Arrhythmogenic cardiomyopathy with wooly hair and keratoderma. Also called: Dilated cardiomyopathy with woolly hair and keratoderma; Arrhythmogenic cardiomyopathy with woolly hair and keratoderma; PALMOPLANTAR KERATODERMA WITH LEFT VENTRICULAR CARDIOMYOPATHY AND WOOLLY HAIR; Carvajal syndrome. Identifiers: Orphanet 65282, MedGen C1854063, MONDO:0011581, OMIM 605676.
Arrhythmogenic right ventricular dysplasia 8 (ARVD8). Also called: ARRHYTHMOGENIC RIGHT VENTRICULAR CARDIOMYOPATHY 8; Arrhythmogenic Right Ventricular Dysplasia/Cardiomyopathy 8; ARRHYTHMOGENIC RIGHT VENTRICULAR DYSPLASIA, FAMILIAL, 8. Identifiers: MedGen C1843896, MONDO:0011831, OMIM 607450.
Cardiomyopathy (CMYO). Also called: Cardiomyopathies. Identifiers: Orphanet 167848, MedGen C0878544, MONDO:0004994, HP:0001638. Inheritance: Various modes of inheritance.

Allele frequency attached by ClinVar (database versions not stated): gnomAD exomes below 0.00001; gnomAD 0.00001; TOPMed 0.00001.
gnomAD v4.1: 3 of 1,613,952 alleles (0.00019%); highest among the groups gnomAD compares: East Asian, 0.0022%; no homozygotes.

Submissions (7):

Ambry Genetics
Classification: Uncertain significance for Cardiovascular phenotype. Last evaluated: 2026-07-13. Review status: criteria provided, single submitter. Criteria: Ambry Variant Classification Scheme 2023. Collection method: clinical testing. Allele origin: germline.
Comment: The p.P515L variant (also known as c.1544C>T), located in coding exon 12 of the DSP gene, results from a C to T substitution at nucleotide position 1544. The proline at codon 515 is replaced by leucine, an amino acid with similar properties. This variant was reported in individual(s) with features consistent with DSP-related cardiomyopathy (Dal Ferro M et al. Heart, 2017 Nov;103:1704-1710; Gigli M et al. J Am Coll Cardiol, 2019 Sep;74:1480-1490). This amino acid position is highly conserved in available vertebrate species. In addition, the in silico prediction for this alteration is inconclusive. Based on the available evidence, the clinical significance of this variant remains unclear.

Color Diagnostics, LLC DBA Color Health
Classification: Uncertain significance for Cardiomyopathy. Last evaluated: 2025-08-11. Review status: criteria provided, single submitter. Criteria: ACMG Guidelines, 2015. Collection method: clinical testing. Allele origin: germline.
Comment: This missense variant replaces proline with leucine at codon 515 of the DSP protein. Computational prediction suggests that this variant may not impact protein structure and function. To our knowledge, functional studies have not been reported for this variant. This variant has been reported in an individual affected with dilated cardiomyopathy (PMID: 28416588, 31514951). This variant has been identified in 1/251432 chromosomes in the general population by the Genome Aggregation Database (gnomAD). The available evidence is insufficient to determine the role of this variant in disease conclusively. Therefore, this variant is classified as a Variant of Uncertain Significance.

Labcorp Genetics (formerly Invitae), Labcorp
Classification: Likely benign for Arrhythmogenic cardiomyopathy with wooly hair and keratoderma; Arrhythmogenic right ventricular dysplasia 8. Last evaluated: 2025-04-17. Review status: criteria provided, single submitter. Criteria: Invitae Variant Classification Sherloc (09022015). Collection method: clinical testing. Allele origin: germline.

All of Us Research Program, National Institutes of Health
Classification: Uncertain significance for Arrhythmogenic cardiomyopathy with wooly hair and keratoderma. Last evaluated: 2023-08-15. Review status: criteria provided, single submitter. Criteria: ACMG Guidelines, 2015. Collection method: clinical testing. Allele origin: germline. Inheritance: Autosomal dominant inheritance. Observed: 1 variant allele, 1 heterozygote.
Comment: This study involves interpretation of variants in research participants for the purpose of population health screening. Participant phenotype was not available at the time of variant classification. Additional details can be found in publication PMID: 35346344, PMCID: PMC8962531

CeGaT Center for Human Genetics Tuebingen
Classification: Uncertain significance. Last evaluated: 2023-02-01. Review status: criteria provided, single submitter. Criteria: CeGaT Center For Human Genetics Tuebingen Variant Classification Criteria Version 2. Collection method: clinical testing. Allele origin: germline. Affected: yes. Observed: 1 variant allele.

AiLife Diagnostics
Classification: Uncertain significance. Last evaluated: 2021-08-25. Review status: criteria provided, single submitter. Criteria: ACMG Guidelines, 2015. Collection method: clinical testing. Allele origin: germline. Affected: yes. Observed: 1 variant allele.

GeneDx
Classification: Uncertain significance. Last evaluated: 2020-02-11. Review status: criteria provided, single submitter. Criteria: GeneDx Variant Classification Process June 2021. Collection method: clinical testing. Allele origin: germline. Affected: yes.
Comment: Reported with the K2103E variant in the DSP gene in a patient with DCM (Dal Ferro et al., 2017); Reported in ClinVar as a variant of uncertain significance (ClinVar Variant ID# 180322; Landrum et al., 2016); Not observed at a significant frequency in large population cohorts (Lek et al., 2016); In silico analysis supports that this missense variant has a deleterious effect on protein structure/function; This variant is associated with the following publications: (PMID: 28416588, 31514951)

Literature cited by the submitters: PubMed 28416588 (cited by 3 submitters); PubMed 31514951 (cited by 3 submitters).